The following is an entry in ClinVar:

NM_004612.4(TGFBR1):c.1169T>C (p.Met390Thr)

Gene: TGFBR1 (transforming growth factor beta receptor 1; plus strand). Cytogenetic location: 9q22.33.
Variant type: single nucleotide variant.
Coding change: c.1169T>C on transcript NM_004612.4 (MANE Select); coding-DNA position 1169, T replaced by C.
Protein change: p.Met390Thr; replaces methionine 390 with threonine.
Molecular consequence: missense variant.
Genome position (GRCh38, 1-based): chr9:99,146,523, T>C. VCF-style: chr9-99146523-T-C. GRCh37 (hg19) VCF-style: chr9-101908805-T-C.
Other names: c.938T>C, p.Met313Thr (NM_001130916.3, NM_001407435.1); c.1181T>C, p.Met394Thr (NM_001306210.2); c.1013T>C, p.Met338Thr (NM_001407416.1); c.1001T>C, p.Met334Thr (NM_001407417.1); c.974T>C, p.Met325Thr (NM_001407418.1, NM_001407419.1, NM_001407420.1 and 1 more transcripts); c.962T>C, p.Met321Thr (NM_001407423.1, NM_001407424.1, NM_001407425.1 and 8 more transcripts); c.923T>C, p.Met308Thr (NM_001407436.1); c.461T>C, p.Met154Thr (NM_001407437.1); and 1 more; short protein forms M231T, M390T, M325T, M154T, M313T, M334T, M338T, M308T.
Identifiers: ClinVar variation 2401199 (VCV002401199.3), dbSNP rs199574997, ClinGen allele CA044231.
Genomic context (GRCh38, chr9:99,146,523, plus strand): 5'-TCTTTTTGCAAATTTTTTTTAGGTACATGGCCCCTGAAGTTCTCGATGATTCCATAAATA[T>C]GAAACATTTTGAATCCTTCAAACGTGCTGACATCTATGCAATGGGCTTAGTATTCTGGGA-3'
Protein context (NP_004603.1, residues 380-400): APEVLDDSIN[Met390Thr]KHFESFKRAD

ClinVar aggregate classification (germline): Uncertain significance (1 of 4 stars; one submission).

Conditions:
Familial thoracic aortic aneurysm and aortic dissection (TAAD). Also called: Thoracic aortic aneurysms and dissections. Identifiers: Orphanet 91387, MedGen C4707243, MONDO:0019625.

Allele frequency attached by ClinVar (database versions not stated): gnomAD exomes below 0.00001; TOPMed below 0.00001; ExAC 0.00001.
gnomAD v4.1: 1 of 1,613,992 alleles (0.000062%); highest among the groups gnomAD compares: Non-Finnish European, 0.000085%; no homozygotes.

Submission:

Ambry Genetics
Classification: Uncertain significance for Familial thoracic aortic aneurysm and aortic dissection. Last evaluated: 2025-05-18. Review status: criteria provided, single submitter. Criteria: Ambry Variant Classification Scheme 2023. Collection method: clinical testing. Allele origin: germline.
Comment: The p.M390T variant (also known as c.1169T>C), located in coding exon 7 of the TGFBR1 gene, results from a T to C substitution at nucleotide position 1169. The methionine at codon 390 is replaced by threonine, an amino acid with similar properties. This amino acid position is conserved. In addition, this alteration is predicted to be deleterious by in silico analysis. Based on the available evidence, the clinical significance of this variant remains unclear.